The following is an entry in ClinVar:

NM_032119.4(ADGRV1):c.628G>T (p.Gly210Cys)

Gene: ADGRV1 (adhesion G protein-coupled receptor V1; plus strand). Cytogenetic location: 5q14.3.
Variant type: single nucleotide variant.
Coding change: c.628G>T on transcript NM_032119.4 (MANE Select); coding-DNA position 628, G replaced by T.
Protein change: p.Gly210Cys; replaces glycine 210 with cysteine.
Molecular consequence: missense variant. On other transcripts: non-coding transcript variant (1).
Genome position (GRCh38, 1-based): chr5:90,625,199, G>T. VCF-style: chr5-90625199-G-T. GRCh37 (hg19) VCF-style: chr5-89921016-G-T.
Other names: short protein forms G210C.
Identifiers: ClinVar variation 1352810 (VCV001352810.5), dbSNP rs1334547636, ClinGen allele CA360364529.
Genomic context (GRCh38, chr5:90,625,199, plus strand): 5'-GGCCCAAATCCCCCTGATGAAGATTTGAGTCCAGTTAAAGGAAATATCACCTTTCCCCCT[G>T]GCAGAGCAACAGTAATTTATAACTTGACAGTACTCGATGACGAGGTTGGCTAATGTTACA-3'
Protein context (NP_115495.3, residues 200-220): PVKGNITFPP[Gly210Cys]RATVIYNLTV

ClinVar aggregate classification (germline): Uncertain significance (1 of 4 stars; one submission).

Submission:

Labcorp Genetics (formerly Invitae), Labcorp
Classification: Uncertain significance. Last evaluated: 2022-07-19. Review status: criteria provided, single submitter. Criteria: Invitae Variant Classification Sherloc (09022015). Collection method: clinical testing. Allele origin: germline.
Comment: This variant has not been reported in the literature in individuals affected with ADGRV1-related conditions. In summary, the available evidence is currently insufficient to determine the role of this variant in disease. Therefore, it has been classified as a Variant of Uncertain Significance. Algorithms developed to predict the effect of missense changes on protein structure and function are either unavailable or do not agree on the potential impact of this missense change (SIFT: "Deleterious"; PolyPhen-2: "Probably Damaging"; Align-GVGD: "Class C0"). ClinVar contains an entry for this variant (Variation ID: 1352810). This variant is not present in population databases (gnomAD no frequency). This sequence change replaces glycine, which is neutral and non-polar, with cysteine, which is neutral and slightly polar, at codon 210 of the ADGRV1 protein (p.Gly210Cys).